The following is an entry in ClinVar:

NM_006231.4(POLE):c.5457G>A (p.Met1819Ile)

Gene: POLE (DNA polymerase epsilon, catalytic subunit; minus strand). Cytogenetic location: 12q24.33.
Variant type: single nucleotide variant.
Coding change: c.5457G>A on transcript NM_006231.4 (MANE Select); coding-DNA position 5457, G replaced by A.
Protein change: p.Met1819Ile; replaces methionine 1819 with isoleucine.
Molecular consequence: missense variant.
Genome position (GRCh38, 1-based): chr12:132,639,220, C>T on the plus strand (G>A on the coding strand, the complement: POLE is on the minus strand). VCF-style: chr12-132639220-C-T. GRCh37 (hg19) VCF-style: chr12-133215806-C-T.
Other names: short protein forms M1819I.
Identifiers: ClinVar variation 2496837 (VCV002496837.5), dbSNP rs2138510042, ClinGen allele CA387374747.
Genomic context (GRCh38, chr12:132,639,220, plus strand): 5'-GCGGTGCAGGGCAGGGTCATGAAGCAGAGAGGATGGCGACCGAAGCCAGCGGTAGAAGTG[C>T]ATCACCTGGTTGTCTGCATAGATGTTGTGGTACTGGGTGATCTCCTTCACCCAGCCCACG-3'
Protein context (NP_006222.2, residues 1809-1829): YHNIYADNQV[Met1819Ile]HFYRWLRSPS

ClinVar aggregate classification (germline): Uncertain significance. Review status: criteria provided, multiple submitters, no conflicts (2 of 4 stars). 2 submissions from 2 submitters: Uncertain significance (2). Last evaluated 2023-05-19.

Conditions:
Hereditary cancer-predisposing syndrome. Also called: Neoplastic Syndromes, Hereditary; Hereditary neoplastic syndrome; Tumor predisposition; Hereditary Cancer Syndrome. Identifiers: Orphanet 140162, MedGen C0027672, MeSH D009386, MONDO:0015356.

Submissions (2):

Labcorp Genetics (formerly Invitae), Labcorp
Classification: Uncertain significance. Last evaluated: 2023-05-19. Review status: criteria provided, single submitter. Criteria: Invitae Variant Classification Sherloc (09022015). Collection method: clinical testing. Allele origin: germline.
Comment: In summary, the available evidence is currently insufficient to determine the role of this variant in disease. Therefore, it has been classified as a Variant of Uncertain Significance. This sequence change replaces methionine, which is neutral and non-polar, with isoleucine, which is neutral and non-polar, at codon 1819 of the POLE protein (p.Met1819Ile). This variant is not present in population databases (gnomAD no frequency). This variant has not been reported in the literature in individuals affected with POLE-related conditions. ClinVar contains an entry for this variant (Variation ID: 2496837). Advanced modeling of protein sequence and biophysical properties (such as structural, functional, and spatial information, amino acid conservation, physicochemical variation, residue mobility, and thermodynamic stability) performed at Invitae indicates that this missense variant is not expected to disrupt POLE protein function.

Ambry Genetics
Classification: Uncertain significance for Hereditary cancer-predisposing syndrome. Last evaluated: 2023-01-27. Review status: criteria provided, single submitter. Criteria: Ambry Variant Classification Scheme 2023. Collection method: clinical testing. Allele origin: germline.
Comment: The p.M1819I variant (also known as c.5457G>A), located in coding exon 40 of the POLE gene, results from a G to A substitution at nucleotide position 5457. The methionine at codon 1819 is replaced by isoleucine, an amino acid with highly similar properties. This amino acid position is conserved. In addition, this alteration is predicted to be tolerated by in silico analysis. Since supporting evidence is limited at this time, the clinical significance of this alteration remains unclear.